The following is an entry in ClinVar:

NM_000051.4(ATM):c.7209C>T (p.Asn2403=)

Genes: ATM (ATM serine/threonine kinase; plus strand), C11orf65 (chromosome 11 open reading frame 65; minus strand). Cytogenetic location: 11q22.3.
Variant type: single nucleotide variant.
Coding change: c.7209C>T on transcript NM_000051.4 (MANE Select); coding-DNA position 7209, C replaced by T.
Protein change: p.Asn2403=; no amino-acid change (asparagine 2403 retained).
Molecular consequence: synonymous variant. On other transcripts: intron variant (2).
Genome position (GRCh38, 1-based): chr11:108,329,140, C>T. VCF-style: chr11-108329140-C-T. GRCh37 (hg19) VCF-style: chr11-108199867-C-T.
Other names: c.*38+6080G>A (NM_001351110.2); c.7209C>T, p.Asn2403= (NM_001351834.2); c.641-20069G>A (NM_001330368.2).
Identifiers: ClinVar variation 236767 (VCV000236767.21), dbSNP rs373662499, ClinGen allele CA6266079.

ClinVar aggregate classification (germline): Benign/Likely benign. Review status: criteria provided, multiple submitters, no conflicts (2 of 4 stars). 5 submissions from 5 submitters: Benign (1); Likely benign (4). Last evaluated 2026-01-04.

Conditions:
Hereditary cancer-predisposing syndrome. Also called: Neoplastic Syndromes, Hereditary; Hereditary neoplastic syndrome; Tumor predisposition; Hereditary Cancer Syndrome. Identifiers: Orphanet 140162, MedGen C0027672, MeSH D009386, MONDO:0015356.
Ataxia-telangiectasia syndrome (AT). Also called: Ataxia telangiectasia (A-T); Cerebello-oculocutaneous telangiectasia; Immunodeficiency with ataxia telangiectasia; LOUIS-BAR SYNDROME; AT, COMPLEMENTATION GROUP C; ATAXIA-TELANGIECTASIA, FRESNO VARIANT. Identifiers: Orphanet 100, MedGen C0004135, MONDO:0008840, OMIM 208900.
Familial cancer of breast. Also called: hereditary breast carcinoma; Hereditary breast cancer; BREAST CANCER, FAMILIAL. Identifiers: Orphanet 227535, MedGen C0346153, MONDO:0016419, OMIM 114480. Disease mechanism: loss of function.

Allele frequency attached by ClinVar (database versions not stated): gnomAD 0.00001; gnomAD exomes 0.00002 and 0.00001; ESP Exome Variant Server 0.00008; ExAC 0.00002; TOPMed 0.00002.
gnomAD v4.1: 4 of 1,613,932 alleles (0.00025%); highest among the groups gnomAD compares: Admixed American, 0.0033%; no homozygotes.

Submissions (5):

Labcorp Genetics (formerly Invitae), Labcorp
Classification: Likely benign for Ataxia-telangiectasia syndrome. Last evaluated: 2026-01-04. Review status: criteria provided, single submitter. Criteria: Invitae Variant Classification Sherloc (09022015). Collection method: clinical testing. Allele origin: germline.

Myriad Genetics, Inc.
Classification: Benign for Familial cancer of breast. Last evaluated: 2024-06-13. Review status: criteria provided, single submitter. Criteria: Myriad Autosomal Dominant, Autosomal Recessive and X-Linked Classification Criteria (2023). Collection method: clinical testing. Allele origin: unknown.
Comment: This variant is considered benign. This variant is a silent/synonymous amino acid change and it is not expected to impact splicing.

GeneDx
Classification: Likely benign. Last evaluated: 2018-11-23. Review status: criteria provided, single submitter. Criteria: GeneDx Variant Classification Process June 2021. Collection method: clinical testing. Allele origin: germline. Affected: yes.

Color Diagnostics, LLC DBA Color Health
Classification: Likely benign for Hereditary cancer-predisposing syndrome. Last evaluated: 2017-11-09. Review status: criteria provided, single submitter. Criteria: ACMG Guidelines, 2015. Collection method: clinical testing. Allele origin: germline.

Ambry Genetics
Classification: Likely benign for Hereditary cancer-predisposing syndrome. Last evaluated: 2016-08-16. Review status: criteria provided, single submitter. Criteria: Ambry Variant Classification Scheme 2023. Collection method: clinical testing. Allele origin: germline.